The following is an entry in ClinVar:

ClinVar aggregate classification (germline): Uncertain significance. Review status: criteria provided, multiple submitters, no conflicts (2 of 4 stars). 2 submissions from 2 submitters: Uncertain significance (2). Last evaluated 2025-10-22.

Conditions:
Inborn genetic diseases. Identifiers: MedGen C0950123, MeSH D030342.

Allele frequency attached by ClinVar (database versions not stated): gnomAD exomes below 0.00001; gnomAD 0.00001; TOPMed 0.00001.

Submissions (2):

Ambry Genetics
Classification: Uncertain significance for Inborn genetic diseases. Last evaluated: 2025-10-22. Review status: criteria provided, single submitter. Criteria: Ambry Variant Classification Scheme 2023. Collection method: clinical testing. Allele origin: germline.
Comment: The p.M301T variant (also known as c.902T>C), located in coding exon 9 of the DDX41 gene, results from a T to C substitution at nucleotide position 902. The methionine at codon 301 is replaced by threonine, an amino acid with similar properties. This amino acid position is highly conserved in available vertebrate species. In addition, the in silico prediction for this alteration is inconclusive. Based on the available evidence, the clinical significance of this variant remains unclear.

GeneDx
Classification: Uncertain significance. Last evaluated: 2023-04-17. Review status: criteria provided, single submitter. Criteria: GeneDx Variant Classification Process June 2021. Collection method: clinical testing. Allele origin: germline. Affected: yes.
Comment: Not observed at significant frequency in large population cohorts (gnomAD); In silico analysis supports that this missense variant does not alter protein structure/function; Has not been previously published as pathogenic or benign to our knowledge; This variant is associated with the following publications: (PMID: 27721487)

NM_016222.4(DDX41):c.902T>C (p.Met301Thr)

Gene: DDX41 (DEAD-box helicase 41; minus strand). Cytogenetic location: 5q35.3.
Variant type: single nucleotide variant.
Coding change: c.902T>C on transcript NM_016222.4 (MANE Select); coding-DNA position 902, T replaced by C.
Protein change: p.Met301Thr; replaces methionine 301 with threonine.
Molecular consequence: missense variant.
Genome position (GRCh38, 1-based): chr5:177,514,734, A>G on the plus strand (T>C on the coding strand, the complement: DDX41 is on the minus strand). VCF-style: chr5-177514734-A-G. GRCh37 (hg19) VCF-style: chr5-176941735-A-G.
Other names: c.524T>C, p.Met175Thr (NM_001321732.2, NM_001321830.2); short protein forms M175T, M301T.
Identifiers: ClinVar variation 2662704 (VCV002662704.2), dbSNP rs1408427651, ClinGen allele CA362374710.